The following is an entry in ClinVar:

ClinVar aggregate classification (germline): Likely benign. Review status: criteria provided, multiple submitters, no conflicts (2 of 4 stars). 3 submissions from 3 submitters: Likely benign (2). 1 of the submissions does not count toward it. Last evaluated 2026-01-15.

Conditions:
GLI2-related disorder. Also called: GLI2-related disorders; GLI2-related condition.
Postaxial polydactyly-anterior pituitary anomalies-facial dysmorphism syndrome. Also called: Culler-Jones syndrome. Identifiers: Orphanet 420584, MedGen C4014479, MONDO:0014369, OMIM 615849.
Holoprosencephaly 9 (HPE9). Also called: HOLOPROSENCEPHALY WITH MICROPHTHALMIA AND FIRST BRANCHIAL ARCH ANOMALIES; PITUITARY ANOMALIES WITH HOLOPROSENCEPHALY-LIKE FEATURES. Identifiers: Orphanet 2162, MedGen C1835819, MONDO:0012563, OMIM 610829.

Allele frequency attached by ClinVar (database versions not stated): gnomAD 0.00001 and 0.00002; gnomAD exomes 0.00002 and 0.00003; TOPMed 0.00002; ExAC 0.00003.
gnomAD v4.1: 53 of 1,613,298 alleles (0.0033%); highest among the groups gnomAD compares: Non-Finnish European, 0.0039%; no homozygotes.

Submissions (3):

Labcorp Genetics (formerly Invitae), Labcorp
Classification: Likely benign for Postaxial polydactyly-anterior pituitary anomalies-facial dysmorphism syndrome; Holoprosencephaly 9. Last evaluated: 2026-01-15. Review status: criteria provided, single submitter. Criteria: Invitae Variant Classification Sherloc (09022015). Collection method: clinical testing. Allele origin: germline.

Blueprint Genetics
Classification: Likely benign. Last evaluated: 2024-11-06. Review status: criteria provided, single submitter. Criteria: ACMG Guidelines, 2015. Collection method: clinical testing. Allele origin: germline.

PreventionGenetics, part of Exact Sciences
Classification: Likely benign for GLI2-related condition. Last evaluated: 2021-07-13. Review status: no assertion criteria provided. Collection method: clinical testing. Allele origin: germline. Not counted in ClinVar's aggregate classification.
Comment: This variant is classified as likely benign based on ACMG/AMP sequence variant interpretation guidelines (Richards et al. 2015 PMID: 25741868, with internal and published modifications).

NM_001374353.1(GLI2):c.4242G>A (p.Pro1414=)

Gene: GLI2 (GLI family zinc finger 2; plus strand). Cytogenetic location: 2q14.2.
Variant type: single nucleotide variant.
Coding change: c.4242G>A on transcript NM_001374353.1 (MANE Select); coding-DNA position 4242, G replaced by A.
Protein change: p.Pro1414=; no amino-acid change (proline 1414 retained).
Molecular consequence: synonymous variant.
Genome position (GRCh38, 1-based): chr2:120,990,207, G>A. VCF-style: chr2-120990207-G-A. GRCh37 (hg19) VCF-style: chr2-121747783-G-A.
Other names: c.4293G>A, p.Pro1431= (NM_001371271.1, NM_005270.5); c.3867G>A, p.Pro1289= (NM_001374354.1).
Identifiers: ClinVar variation 709849 (VCV000709849.11), dbSNP rs771337922, ClinGen allele CA1852586.